The following is an entry in ClinVar:

ClinVar aggregate classification (germline): Uncertain significance (1 of 4 stars; one submission).

Conditions:
Inborn genetic diseases. Identifiers: MedGen C0950123, MeSH D030342.

gnomAD v4.1: 2 of 1,604,454 alleles (0.00012%); highest among the groups gnomAD compares: South Asian, 0.0011%; no homozygotes.

Submission:

Ambry Genetics
Classification: Uncertain significance for Inborn genetic diseases. Last evaluated: 2025-01-07. Review status: criteria provided, single submitter. Criteria: Ambry Variant Classification Scheme 2023. Collection method: clinical testing. Allele origin: germline.
Comment: The p.E223K variant (also known as c.667G>A), located in coding exon 5 of the ANKRD26 gene, results from a G to A substitution at nucleotide position 667. The glutamic acid at codon 223 is replaced by lysine, an amino acid with similar properties. This amino acid position is conserved. In addition, this alteration is predicted to be tolerated by in silico analysis. Based on the available evidence, the clinical significance of this variant remains unclear.

NM_014915.3(ANKRD26):c.667G>A (p.Glu223Lys)

Gene: ANKRD26 (ankyrin repeat domain containing 26; minus strand). Cytogenetic location: 10p12.1.
Variant type: single nucleotide variant.
Coding change: c.667G>A on transcript NM_014915.3 (MANE Select); coding-DNA position 667, G replaced by A.
Protein change: p.Glu223Lys; replaces glutamic acid 223 with lysine.
Molecular consequence: missense variant.
Genome position (GRCh38, 1-based): chr10:27,086,581, C>T on the plus strand (G>A on the coding strand, the complement: ANKRD26 is on the minus strand). VCF-style: chr10-27086581-C-T. GRCh37 (hg19) VCF-style: chr10-27375510-C-T.
Other names: c.667G>A, p.Glu223Lys (NM_001256053.2); short protein forms E223K.
Identifiers: ClinVar variation 3868958 (VCV003868958.1).